The following is an entry in ClinVar:

ClinVar aggregate classification (germline): Uncertain significance. Review status: criteria provided, multiple submitters, no conflicts (2 of 4 stars). 2 submissions from 2 submitters: Uncertain significance (2). Last evaluated 2024-06-20.

Conditions:
Inborn genetic diseases. Identifiers: MedGen C0950123, MeSH D030342.
Tall stature-scoliosis-macrodactyly of the great toes syndrome. Also called: Epiphyseal chondrodysplasia, miura type. Identifiers: Orphanet 329191, MedGen C4014690, MONDO:0014401, OMIM 615923.
Acromesomelic dysplasia 1, Maroteaux type (AMD1). Also called: ST. HELENA DYSPLASIA; ACROMESOMELIC DYSPLASIA 1. Identifiers: Orphanet 40, MedGen C1864356, MONDO:0011275, OMIM 602875.

Allele frequency attached by ClinVar (database versions not stated): TOPMed below 0.00001.

Submissions (2):

Labcorp Genetics (formerly Invitae), Labcorp
Classification: Uncertain significance for Tall stature-scoliosis-macrodactyly of the great toes syndrome; Acromesomelic dysplasia 1, Maroteaux type. Last evaluated: 2024-06-20. Review status: criteria provided, single submitter. Criteria: Invitae Variant Classification Sherloc (09022015). Collection method: clinical testing. Allele origin: germline.
Comment: This sequence change replaces threonine, which is neutral and polar, with asparagine, which is neutral and polar, at codon 580 of the NPR2 protein (p.Thr580Asn). This variant is not present in population databases (gnomAD no frequency). This variant has not been reported in the literature in individuals affected with NPR2-related conditions. Advanced modeling of protein sequence and biophysical properties (such as structural, functional, and spatial information, amino acid conservation, physicochemical variation, residue mobility, and thermodynamic stability) performed at Invitae indicates that this missense variant is not expected to disrupt NPR2 protein function with a negative predictive value of 80%. In summary, the available evidence is currently insufficient to determine the role of this variant in disease. Therefore, it has been classified as a Variant of Uncertain Significance.

Ambry Genetics
Classification: Uncertain significance for Inborn genetic diseases. Last evaluated: 2024-02-02. Review status: criteria provided, single submitter. Criteria: Ambry Variant Classification Scheme 2023. Collection method: clinical testing. Allele origin: germline.

NM_003995.4(NPR2):c.1739C>A (p.Thr580Asn)

Gene: NPR2 (natriuretic peptide receptor 2; plus strand). Cytogenetic location: 9p13.3.
Variant type: single nucleotide variant.
Coding change: c.1739C>A on transcript NM_003995.4 (MANE Select); coding-DNA position 1739, C replaced by A.
Protein change: p.Thr580Asn; replaces threonine 580 with asparagine.
Molecular consequence: missense variant.
Genome position (GRCh38, 1-based): chr9:35,802,531, C>A. VCF-style: chr9-35802531-C-A. GRCh37 (hg19) VCF-style: chr9-35802528-C-A.
Other names: c.1748C>A, p.Thr583Asn (NM_001378923.1); short protein forms T580N, T583N.
Identifiers: ClinVar variation 3201763 (VCV003201763.3), dbSNP rs1131692010, ClinGen allele CA373374460.